The following is an entry in ClinVar:

NM_002907.4(RECQL):c.1631A>G (p.Lys544Arg)

Gene: RECQL (RecQ like helicase; minus strand). Cytogenetic location: 12p12.1.
Variant type: single nucleotide variant.
Coding change: c.1631A>G on transcript NM_002907.4 (MANE Select); coding-DNA position 1631, A replaced by G.
Protein change: p.Lys544Arg; replaces lysine 544 with arginine.
Molecular consequence: missense variant.
Genome position (GRCh38, 1-based): chr12:21,471,464, T>C on the plus strand (A>G on the coding strand, the complement: RECQL is on the minus strand). VCF-style: chr12-21471464-T-C. GRCh37 (hg19) VCF-style: chr12-21624398-T-C.
Other names: c.1631A>G, p.Lys544Arg (NM_032941.3); short protein forms K544R.
Identifiers: ClinVar variation 2450957 (VCV002450957.3), dbSNP rs74067193, ClinGen allele CA384115142.

ClinVar aggregate classification (germline): Uncertain significance (1 of 4 stars; one submission).

Submission:

Ambry Genetics
Classification: Uncertain significance. Last evaluated: 2025-04-07. Review status: criteria provided, single submitter. Criteria: Ambry Variant Classification Scheme 2023. Collection method: clinical testing. Allele origin: germline.
Comment: The p.K544R variant (also known as c.1631A>G), located in coding exon 12 of the RECQL gene, results from an A to G substitution at nucleotide position 1631. The lysine at codon 544 is replaced by arginine, an amino acid with highly similar properties. This amino acid position is conserved. In addition, this alteration is predicted to be tolerated by in silico analysis. Since supporting evidence is limited at this time, the clinical significance of this alteration remains unclear.